The following is an entry in ClinVar:

NM_000426.4(LAMA2):c.5672C>G (p.Ser1891Cys)

Gene: LAMA2 (laminin subunit alpha 2; plus strand). Cytogenetic location: 6q22.33.
Variant type: single nucleotide variant.
Coding change: c.5672C>G on transcript NM_000426.4 (MANE Select); coding-DNA position 5672, C replaced by G.
Protein change: p.Ser1891Cys; replaces serine 1891 with cysteine.
Molecular consequence: missense variant.
Genome position (GRCh38, 1-based): chr6:129,402,433, C>G. VCF-style: chr6-129402433-C-G. GRCh37 (hg19) VCF-style: chr6-129723578-C-G.
Other names: c.5672C>G, p.Ser1891Cys (NM_001079823.2); short protein forms S1891C.
Identifiers: ClinVar variation 1433245 (VCV001433245.3), dbSNP rs754216711, ClinGen allele CA3993947.

ClinVar aggregate classification (germline): Uncertain significance (1 of 4 stars; one submission).

Conditions:
LAMA2-related muscular dystrophy (LAMA2-RD). Also called: Laminin alpha 2-related dystrophy. Identifiers: MedGen C5679788, MONDO:0100228.

Allele frequency attached by ClinVar (database versions not stated): ExAC 0.00001; gnomAD 0.00002; TOPMed 0.00003.
gnomAD v4.1: 3 of 1,613,964 alleles (0.00019%); highest among the groups gnomAD compares: African/African-American, 0.004%; no homozygotes.

Submission:

Labcorp Genetics (formerly Invitae), Labcorp
Classification: Uncertain significance for LAMA2-related muscular dystrophy. Last evaluated: 2022-08-31. Review status: criteria provided, single submitter. Criteria: Invitae Variant Classification Sherloc (09022015). Collection method: clinical testing. Allele origin: germline.
Comment: This sequence change replaces serine, which is neutral and polar, with cysteine, which is neutral and slightly polar, at codon 1891 of the LAMA2 protein (p.Ser1891Cys). This variant is not present in population databases (gnomAD no frequency). This variant has not been reported in the literature in individuals affected with LAMA2-related conditions. ClinVar contains an entry for this variant (Variation ID: 1433245). Advanced modeling of protein sequence and biophysical properties (such as structural, functional, and spatial information, amino acid conservation, physicochemical variation, residue mobility, and thermodynamic stability) performed at Invitae indicates that this missense variant is not expected to disrupt LAMA2 protein function. Algorithms developed to predict the effect of sequence changes on RNA splicing suggest that this variant may create or strengthen a splice site. In summary, the available evidence is currently insufficient to determine the role of this variant in disease. Therefore, it has been classified as a Variant of Uncertain Significance.